The following is an entry in ClinVar:

NC_000012.11:g.(?_102147130)_(102164955_?)del

Gene: GNPTAB (N-acetylglucosamine-1-phosphate transferase subunits alpha and beta; minus strand). Cytogenetic location: 12q23.2.
Variant type: Deletion.
Identifiers: ClinVar variation 3244242 (VCV003244242.1).

ClinVar aggregate classification (germline): Pathogenic (1 of 4 stars; one submission).

Conditions:
Mucolipidosis type II. Also called: ML II ALPHA/BETA; Mucolipidosis 2; ML 2; Inclusion cell disease; Leroy Disease; N-acetylglucosamine 1phosphotransferase deficiency. Identifiers: Orphanet 576, MedGen C2673377, MONDO:0009650, OMIM 252500.
Pseudo-Hurler polydystrophy. Also called: ML III; ML III ALPHA/BETA; Type III Mucolipidosis; ML IIIA; Mucolipidosis III Alpha/Beta; MUCOLIPIDOSIS IIIA. Identifiers: Orphanet 423461, Orphanet 577, MedGen C0033788, MONDO:0018931, OMIM 252600.

Submission:

Labcorp Genetics (formerly Invitae), Labcorp
Classification: Pathogenic for Pseudo-Hurler polydystrophy; Mucolipidosis type II. Last evaluated: 2023-03-21. Review status: criteria provided, single submitter. Criteria: Invitae Variant Classification Sherloc (09022015). Collection method: clinical testing. Allele origin: unknown.
Comment: For these reasons, this variant has been classified as Pathogenic. This variant has not been reported in the literature in individuals affected with GNPTAB-related conditions. This variant is a gross deletion of the genomic region encompassing exon(s) 8-19 of the GNPTAB gene. This deletion is out-of-frame, and is expected to create a premature termination codon and result in an absent or disrupted protein product. Loss-of-function variants in GNPTAB are known to be pathogenic (PMID: 19617216, 25107912).

Literature cited by the submitters: PubMed 19617216; PubMed 25107912.